The following is an entry in ClinVar:

NM_019616.4(F7):c.79G>A (p.Glu27Lys)

Gene: F7 (coagulation factor VII; plus strand). Cytogenetic location: 13q34.
Variant type: single nucleotide variant.
Coding change: c.79G>A on transcript NM_019616.4 (MANE Select); coding-DNA position 79, G replaced by A.
Protein change: p.Glu27Lys; replaces glutamic acid 27 with lysine.
Molecular consequence: missense variant. On other transcripts: non-coding transcript variant (1), intron variant (1).
Genome position (GRCh38, 1-based): chr13:113,110,704, G>A. VCF-style: chr13-113110704-G-A. GRCh37 (hg19) VCF-style: chr13-113765018-G-A.
Other names: c.145G>A, p.Glu49Lys (NM_000131.5); c.65-3143G>A (NM_001267554.2); short protein forms E49K, E27K.
Identifiers: ClinVar variation 2248385 (VCV002248385.5), dbSNP rs139015882, ClinGen allele CA7059860.

ClinVar aggregate classification (germline): Conflicting classifications of pathogenicity. Review status: criteria provided, conflicting classifications (1 of 4 stars). 3 submissions from 3 submitters: Uncertain significance (2); Likely benign (1). Last evaluated 2025-03-07.

Conditions:
F7-related disorder. Also called: F7-related condition.
Inborn genetic diseases. Identifiers: MedGen C0950123, MeSH D030342.

Allele frequency attached by ClinVar (database versions not stated): gnomAD exomes 0.00009; ExAC 0.00040; ESP Exome Variant Server 0.00079; gnomAD 0.00115; TOPMed 0.00119; 1000 Genomes Project 0.00120; 1000 Genomes Project 30x 0.00156.
gnomAD v4.1: 306 of 1,548,582 alleles (0.02%); highest among the groups gnomAD compares: African/African-American, 0.37%; no homozygotes.

Submissions (3):

PreventionGenetics, part of Exact Sciences
Classification: Likely benign for F7-related condition. Last evaluated: 2025-03-07. Review status: criteria provided, single submitter. Criteria: ACMG Guidelines, 2015. Collection method: clinical testing. Allele origin: germline.
Comment: This variant is classified as likely benign based on ACMG/AMP sequence variant interpretation guidelines (Richards et al. 2015 PMID: 25741868, with internal and published modifications).

Ambry Genetics
Classification: Uncertain significance for Inborn genetic diseases. Last evaluated: 2024-12-31. Review status: criteria provided, single submitter. Criteria: Ambry Variant Classification Scheme 2023. Collection method: clinical testing. Allele origin: germline.

Blueprint Genetics
Classification: Uncertain significance. Last evaluated: 2024-11-06. Review status: criteria provided, single submitter. Criteria: ACMG Guidelines, 2015. Collection method: clinical testing. Allele origin: germline.